The following is an entry in ClinVar:

NM_005120.3(MED12):c.2035A>G (p.Met679Val)

Gene: MED12 (mediator complex subunit 12; plus strand). Cytogenetic location: Xq13.1.
Variant type: single nucleotide variant.
Coding change: c.2035A>G on transcript NM_005120.3 (MANE Select); coding-DNA position 2035, A replaced by G.
Protein change: p.Met679Val; replaces methionine 679 with valine.
Molecular consequence: missense variant.
Genome position (GRCh38, 1-based): chrX:71,124,824, A>G. VCF-style: chrX-71124824-A-G. GRCh37 (hg19) VCF-style: chrX-70344674-A-G.
Other names: short protein forms M679V.
Identifiers: ClinVar variation 2797456 (VCV002797456.3), dbSNP rs2519677087, ClinGen allele CA413510751.

ClinVar aggregate classification (germline): Uncertain significance (1 of 4 stars; one submission).

Conditions:
FG syndrome (FGS). Identifiers: MedGen C0220769, MONDO:0002010.

Submission:

Labcorp Genetics (formerly Invitae), Labcorp
Classification: Uncertain significance for FG syndrome. Last evaluated: 2023-06-28. Review status: criteria provided, single submitter. Criteria: Invitae Variant Classification Sherloc (09022015). Collection method: clinical testing. Allele origin: germline.
Comment: In summary, the available evidence is currently insufficient to determine the role of this variant in disease. Therefore, it has been classified as a Variant of Uncertain Significance. Advanced modeling of protein sequence and biophysical properties (such as structural, functional, and spatial information, amino acid conservation, physicochemical variation, residue mobility, and thermodynamic stability) performed at Invitae indicates that this missense variant is not expected to disrupt MED12 protein function. This variant has not been reported in the literature in individuals affected with MED12-related conditions. This variant is not present in population databases (gnomAD no frequency). This sequence change replaces methionine, which is neutral and non-polar, with valine, which is neutral and non-polar, at codon 679 of the MED12 protein (p.Met679Val).